The following is an entry in ClinVar:

ClinVar aggregate classification (germline): Uncertain significance (1 of 4 stars; one submission).

Conditions:
Ehlers-Danlos syndrome, classic type, 1 (EDSCL1). Also called: EHLERS-DANLOS SYNDROME, GRAVIS TYPE; EHLERS-DANLOS SYNDROME, SEVERE CLASSIC TYPE; Ehlers-Danlos syndrome, type 1; Ehlers-Danlos Syndrome, Classic Type, COL5A1-Related; EDS I. Identifiers: MedGen C0268335, MONDO:0019567, OMIM 130000.
Osteogenesis imperfecta type I (OI1). Also called: OI, TYPE I; OSTEOGENESIS IMPERFECTA TARDA; OSTEOGENESIS IMPERFECTA WITH BLUE SCLERAE; Osteogenesis imperfecta type 1; Lobstein's Disease; Lobstein disease. Identifiers: Orphanet 216796, Orphanet 666, MedGen C0023931, MONDO:0008146, OMIM 166200. Disease mechanism: loss of function.

Submission:

Labcorp Genetics (formerly Invitae), Labcorp
Classification: Uncertain significance for Osteogenesis imperfecta type I; Ehlers-Danlos syndrome, classic type, 1. Last evaluated: 2025-04-24. Review status: criteria provided, single submitter. Criteria: Invitae Variant Classification Sherloc (09022015). Collection method: clinical testing. Allele origin: germline.
Comment: This sequence change replaces alanine, which is neutral and non-polar, with proline, which is neutral and non-polar, at codon 843 of the COL1A2 protein (p.Ala843Pro). This variant is not present in population databases (gnomAD no frequency). This variant has not been reported in the literature in individuals affected with COL1A2-related conditions. Invitae Evidence Modeling of protein sequence and biophysical properties (such as structural, functional, and spatial information, amino acid conservation, physicochemical variation, residue mobility, and thermodynamic stability) indicates that this missense variant is not expected to disrupt COL1A2 protein function with a negative predictive value of 95%. In summary, the available evidence is currently insufficient to determine the role of this variant in disease. Therefore, it has been classified as a Variant of Uncertain Significance.

NM_000089.4(COL1A2):c.2527G>C (p.Ala843Pro)

Gene: COL1A2 (collagen type I alpha 2 chain; plus strand). Cytogenetic location: 7q21.3.
Variant type: single nucleotide variant.
Coding change: c.2527G>C on transcript NM_000089.4 (MANE Select); coding-DNA position 2527, G replaced by C.
Protein change: p.Ala843Pro; replaces alanine 843 with proline.
Molecular consequence: missense variant.
Genome position (GRCh38, 1-based): chr7:94,423,080, G>C. VCF-style: chr7-94423080-G-C. GRCh37 (hg19) VCF-style: chr7-94052392-G-C.
Other names: short protein forms A843P.
Identifiers: ClinVar variation 4790814 (VCV004790814.1).